The following is an entry in ClinVar:

ClinVar aggregate classification (germline): Uncertain significance (1 of 4 stars; one submission).

Conditions:
Cardiovascular phenotype. Identifiers: MedGen CN230736.

gnomAD v4.1: 4 of 1,614,094 alleles (0.00025%); highest among the groups gnomAD compares: Non-Finnish European, 0.00034%; no homozygotes.

Submission:

Ambry Genetics
Classification: Uncertain significance for Cardiovascular phenotype. Last evaluated: 2025-04-23. Review status: criteria provided, single submitter. Criteria: Ambry Variant Classification Scheme 2023. Collection method: clinical testing. Allele origin: germline.
Comment: The p.G33W variant (also known as c.97G>T), located in coding exon 1 of the TBX5 gene, results from a G to T substitution at nucleotide position 97. The glycine at codon 33 is replaced by tryptophan, an amino acid with highly dissimilar properties. This amino acid position is conserved. In addition, the in silico prediction for this alteration is inconclusive. Based on the available evidence, the clinical significance of this variant remains unclear.

NM_181486.4(TBX5):c.97G>T (p.Gly33Trp)

Gene: TBX5 (T-box transcription factor 5; minus strand). Cytogenetic location: 12q24.21.
Variant type: single nucleotide variant.
Coding change: c.97G>T on transcript NM_181486.4 (MANE Select); coding-DNA position 97, G replaced by T.
Protein change: p.Gly33Trp; replaces glycine 33 with tryptophan.
Molecular consequence: missense variant. On other transcripts: intron variant (1).
Genome position (GRCh38, 1-based): chr12:114,403,802, C>A on the plus strand (G>T on the coding strand, the complement: TBX5 is on the minus strand). VCF-style: chr12-114403802-C-A. GRCh37 (hg19) VCF-style: chr12-114841607-C-A.
Other names: c.97G>T, p.Gly33Trp (NM_000192.3); c.-3-1882G>T (NM_080717.4); short protein forms G33W.
Identifiers: ClinVar variation 3966305 (VCV003966305.1).